The following is an entry in ClinVar:

NM_000844.4(GRM7):c.2110G>A (p.Ala704Thr)

Gene: GRM7 (glutamate metabotropic receptor 7; plus strand). Cytogenetic location: 3p26.1.
Variant type: single nucleotide variant.
Coding change: c.2110G>A on transcript NM_000844.4 (MANE Select); coding-DNA position 2110, G replaced by A.
Protein change: p.Ala704Thr; replaces alanine 704 with threonine.
Molecular consequence: missense variant.
Genome position (GRCh38, 1-based): chr3:7,579,016, G>A. VCF-style: chr3-7579016-G-A. GRCh37 (hg19) VCF-style: chr3-7620703-G-A.
Other names: c.2110G>A, p.Ala704Thr (NM_181874.3); short protein forms A704T.
Identifiers: ClinVar variation 1418728 (VCV001418728.6), dbSNP rs777774323, ClinGen allele CA2235025.

ClinVar aggregate classification (germline): Uncertain significance (1 of 4 stars; one submission).

Allele frequency attached by ClinVar (database versions not stated): gnomAD exomes below 0.00001 and 0.00001; gnomAD 0.00001; ExAC 0.00002.
gnomAD v4.1: 6 of 1,613,918 alleles (0.00037%); highest among the groups gnomAD compares: South Asian, 0.0011%; no homozygotes.

Submission:

Labcorp Genetics (formerly Invitae), Labcorp
Classification: Uncertain significance. Last evaluated: 2022-03-22. Review status: criteria provided, single submitter. Criteria: Invitae Variant Classification Sherloc (09022015). Collection method: clinical testing. Allele origin: germline.
Comment: In summary, the available evidence is currently insufficient to determine the role of this variant in disease. Therefore, it has been classified as a Variant of Uncertain Significance. Algorithms developed to predict the effect of missense changes on protein structure and function (SIFT, PolyPhen-2, Align-GVGD) all suggest that this variant is likely to be disruptive. This variant has not been reported in the literature in individuals affected with GRM7-related conditions. This variant is present in population databases (rs777774323, gnomAD 0.002%). This sequence change replaces alanine, which is neutral and non-polar, with threonine, which is neutral and polar, at codon 704 of the GRM7 protein (p.Ala704Thr).